The following is an entry in ClinVar:

NM_001231.5(CASQ1):c.265G>A (p.Glu89Lys)

Gene: CASQ1 (calsequestrin 1; plus strand). Cytogenetic location: 1q23.2.
Variant type: single nucleotide variant.
Coding change: c.265G>A on transcript NM_001231.5 (MANE Select); coding-DNA position 265, G replaced by A.
Protein change: p.Glu89Lys; replaces glutamic acid 89 with lysine.
Molecular consequence: missense variant.
Genome position (GRCh38, 1-based): chr1:160,191,016, G>A. VCF-style: chr1-160191016-G-A. GRCh37 (hg19) VCF-style: chr1-160160806-G-A.
Other names: short protein forms E89K.
Identifiers: ClinVar variation 1395851 (VCV001395851.8), dbSNP rs1273875046, ClinGen allele CA343251227.

ClinVar aggregate classification (germline): Uncertain significance (1 of 4 stars; one submission).

Submission:

Labcorp Genetics (formerly Invitae), Labcorp
Classification: Uncertain significance. Last evaluated: 2021-04-23. Review status: criteria provided, single submitter. Criteria: Invitae Variant Classification Sherloc (09022015). Collection method: clinical testing. Allele origin: germline.
Comment: In summary, the available evidence is currently insufficient to determine the role of this variant in disease. Therefore, it has been classified as a Variant of Uncertain Significance. Algorithms developed to predict the effect of missense changes on protein structure and function are either unavailable or do not agree on the potential impact of this missense change (SIFT: "Deleterious"; PolyPhen-2: "Benign"; Align-GVGD: "Class C0"). This variant has not been reported in the literature in individuals with CASQ1-related conditions. This variant is not present in population databases (ExAC no frequency). This sequence change replaces glutamic acid with lysine at codon 89 of the CASQ1 protein (p.Glu89Lys). The glutamic acid residue is highly conserved and there is a small physicochemical difference between glutamic acid and lysine.